The following is an entry in ClinVar:

NM_001127511.3(APC):c.122C>G (p.Pro41Arg)

Gene: APC (APC regulator of Wnt signaling pathway; plus strand). Cytogenetic location: 5q22.2.
Variant type: single nucleotide variant.
Coding change: c.122C>G on transcript NM_001127511.3; coding-DNA position 122, C replaced by G.
Protein change: p.Pro41Arg; replaces proline 41 with arginine.
Molecular consequence: missense variant. On other transcripts: 5 prime UTR variant (8), non-coding transcript variant (1), intron variant (5).
Genome position (GRCh38, 1-based): chr5:112,707,839, C>G. VCF-style: chr5-112707839-C-G. GRCh37 (hg19) VCF-style: chr5-112043536-C-G.
Other names: c.-62C>G (NM_001354895.2, NM_001407447.1, NM_001407452.1 and 3 more transcripts); c.122C>G, p.Pro41Arg (NM_001354897.2, NM_001354902.2, NM_001407446.1); c.-1097C>G (NM_001407470.1, NM_001407472.1); c.-19+190C>G (NM_001407448.1, NM_001407450.1, NM_001407457.1 and 1 more transcripts); c.-43+190C>G (NM_001407453.1); short protein forms P41R.
Identifiers: ClinVar variation 1034624 (VCV001034624.7), dbSNP rs1057517584, ClinGen allele CA360612051.

ClinVar aggregate classification (germline): Uncertain significance (1 of 4 stars; one submission).

Conditions:
Familial adenomatous polyposis 1 (FAP1). Also called: FAMILIAL ADENOMATOUS POLYPOSIS 1, ATTENUATED; POLYPOSIS, ADENOMATOUS INTESTINAL. Identifiers: MedGen C2713442, MONDO:0021056, OMIM 175100. Disease mechanism: loss of function.

Submission:

Labcorp Genetics (formerly Invitae), Labcorp
Classification: Uncertain significance for Familial adenomatous polyposis 1. Last evaluated: 2024-12-30. Review status: criteria provided, single submitter. Criteria: Invitae Variant Classification Sherloc (09022015). Collection method: clinical testing. Allele origin: germline.
Comment: This variant occurs in a non-coding region of the APC gene. It does not change the encoded amino acid sequence of the APC protein. This variant is not present in population databases (gnomAD no frequency). This variant has not been reported in the literature in individuals affected with APC-related conditions. Experimental studies and prediction algorithms are not available or were not evaluated, and the functional significance of this variant is currently unknown. In summary, the available evidence is currently insufficient to determine the role of this variant in disease. Therefore, it has been classified as a Variant of Uncertain Significance.